The following is an entry in ClinVar:

ClinVar aggregate classification (germline): Uncertain significance (1 of 4 stars; one submission).

Conditions:
ISL1-related disorder. Also called: ISL1-related condition.

gnomAD v4.1: 2 of 1,614,200 alleles (0.00012%); highest among the groups gnomAD compares: East Asian, 0.0045%; no homozygotes.

Submission:

PreventionGenetics, part of Exact Sciences
Classification: Uncertain significance for ISL1-related condition. Last evaluated: 2025-04-16. Review status: criteria provided, single submitter. Criteria: ACMG Guidelines, 2015. Collection method: clinical testing. Allele origin: germline.
Comment: The ISL1 c.664C>T variant is predicted to result in the amino acid substitution p.Pro222Ser. To our knowledge, this variant has not been reported in the literature or in a large population database (gnomAD), indicating this variant is rare. At this time, the clinical significance of this variant is uncertain due to the absence of conclusive functional and genetic evidence.

NM_002202.3(ISL1):c.664C>T (p.Pro222Ser)

Gene: ISL1 (ISL LIM homeobox 1; plus strand). Cytogenetic location: 5q11.1.
Variant type: single nucleotide variant.
Coding change: c.664C>T on transcript NM_002202.3 (MANE Select); coding-DNA position 664, C replaced by T.
Protein change: p.Pro222Ser; replaces proline 222 with serine.
Molecular consequence: missense variant.
Genome position (GRCh38, 1-based): chr5:51,389,831, C>T. VCF-style: chr5-51389831-C-T. GRCh37 (hg19) VCF-style: chr5-50685665-C-T.
Other names: short protein forms P222S.
Identifiers: ClinVar variation 4998103 (VCV004998103.1).